The following is an entry in ClinVar:

NM_030928.4(CDT1):c.1609G>A (p.Ala537Thr)

Gene: CDT1 (chromatin licensing and DNA replication factor 1; plus strand). Cytogenetic location: 16q24.3.
Variant type: single nucleotide variant.
Coding change: c.1609G>A on transcript NM_030928.4 (MANE Select); coding-DNA position 1609, G replaced by A.
Protein change: p.Ala537Thr; replaces alanine 537 with threonine.
Molecular consequence: missense variant.
Genome position (GRCh38, 1-based): chr16:88,808,246, G>A. VCF-style: chr16-88808246-G-A. GRCh37 (hg19) VCF-style: chr16-88874654-G-A.
Other names: short protein forms A537T.
Identifiers: ClinVar variation 1441132 (VCV001441132.3), dbSNP rs373683170, ClinGen allele CA8234263.

ClinVar aggregate classification (germline): Uncertain significance (1 of 4 stars; one submission).

Allele frequency attached by ClinVar (database versions not stated): gnomAD exomes 0.00005; TOPMed 0.00007; gnomAD 0.00009 and 0.00010; ExAC 0.00011; ESP Exome Variant Server 0.00015.
gnomAD v4.1: 40 of 1,602,254 alleles (0.0025%); highest among the groups gnomAD compares: African/African-American, 0.023%; no homozygotes.

Submission:

Labcorp Genetics (formerly Invitae), Labcorp
Classification: Uncertain significance. Last evaluated: 2022-08-10. Review status: criteria provided, single submitter. Criteria: Invitae Variant Classification Sherloc (09022015). Collection method: clinical testing. Allele origin: germline.
Comment: This sequence change replaces alanine, which is neutral and non-polar, with threonine, which is neutral and polar, at codon 537 of the CDT1 protein (p.Ala537Thr). This variant is present in population databases (rs373683170, gnomAD 0.03%). This variant has not been reported in the literature in individuals affected with CDT1-related conditions. ClinVar contains an entry for this variant (Variation ID: 1441132). Algorithms developed to predict the effect of missense changes on protein structure and function output the following: SIFT: "Tolerated"; PolyPhen-2: "Benign"; Align-GVGD: "Class C0". The threonine amino acid residue is found in multiple mammalian species, which suggests that this missense change does not adversely affect protein function. In summary, the available evidence is currently insufficient to determine the role of this variant in disease. Therefore, it has been classified as a Variant of Uncertain Significance.